The following is an entry in ClinVar:

NM_001387430.1(SH2B1):c.199C>T (p.Arg67Cys)

Gene: SH2B1 (SH2B adaptor protein 1; plus strand). Cytogenetic location: 16p11.2.
Variant type: single nucleotide variant.
Coding change: c.199C>T on transcript NM_001387430.1 (MANE Select); coding-DNA position 199, C replaced by T.
Protein change: p.Arg67Cys; replaces arginine 67 with cysteine.
Molecular consequence: missense variant. On other transcripts: intron variant (1).
Genome position (GRCh38, 1-based): chr16:28,866,293, C>T. VCF-style: chr16-28866293-C-T. GRCh37 (hg19) VCF-style: chr16-28877614-C-T.
Other names: c.199C>T, p.Arg67Cys (NM_001145795.2, NM_001145796.2, NM_001145797.2 and 4 more transcripts); c.-26-1081C>T (NM_001308294.2); c.199C>T (NM_001145795.1); short protein forms R67C.
Identifiers: ClinVar variation 4695935 (VCV004695935.2).
Genomic context (GRCh38, chr16:28,866,293, plus strand): 5'-CTCTACCTGGCCTCCCACCCCCAATATGCGGGGCCCGGGGCCGAGGCTGCCTTCTCCCGC[C>T]GTTTTGCTGAGCTCTTCCTGCAGCACTTTGAAGCCGAGGTGGCCCGGGCCTCTGGCTCCC-3'
Protein context (NP_001374359.1, residues 57-77): GPGAEAAFSR[Arg67Cys]FAELFLQHFE

ClinVar aggregate classification (germline): Uncertain significance. Review status: criteria provided, multiple submitters, no conflicts (2 of 4 stars). 2 submissions from 2 submitters: Uncertain significance (2). Last evaluated 2026-04-24.

Conditions:
SH2B1-related disorder. Also called: SH2B1-related condition.

gnomAD v4.1: 56 of 1,610,744 alleles (0.0035%); highest among the groups gnomAD compares: Middle Eastern, 0.016%; no homozygotes.

Submissions (2):

PreventionGenetics, part of Exact Sciences
Classification: Uncertain significance for SH2B1-related condition. Last evaluated: 2026-04-24. Review status: criteria provided, single submitter. Criteria: ACMG Guidelines, 2015. Collection method: clinical testing. Allele origin: germline.
Comment: The SH2B1 c.199C>T variant is predicted to result in the amino acid substitution p.Arg67Cys. To our knowledge, this variant has not been reported in the literature in association with human disease. Mouse expression studies investigating the impact of this variant on leptin and insulin signaling observed nominal changes in gene expression (Giuranna et al. 2018. PubMed ID: 29631267). This variant is reported in 0.0099% of alleles in individuals of South Asian descent in gnomAD. At this time, the clinical significance of this variant is uncertain due to the absence of conclusive functional and genetic evidence.

Labcorp Genetics (formerly Invitae), Labcorp
Classification: Uncertain significance. Last evaluated: 2025-05-15. Review status: criteria provided, single submitter. Criteria: Invitae Variant Classification Sherloc (09022015). Collection method: clinical testing. Allele origin: germline.
Comment: This sequence change replaces arginine, which is basic and polar, with cysteine, which is neutral and slightly polar, at codon 67 of the SH2B1 protein (p.Arg67Cys). This variant is present in population databases (rs781063312, gnomAD 0.01%). This missense change has been observed in individual(s) with SH2B1-related conditions (PMID: 26031769). An algorithm developed to predict the effect of missense changes on protein structure and function (PolyPhen-2) suggests that this variant is likely to be tolerated. Experimental studies have shown that this missense change affects SH2B1 function (PMID: 29631267). In summary, the available evidence is currently insufficient to determine the role of this variant in disease. Therefore, it has been classified as a Variant of Uncertain Significance.

Literature cited by the submitters: PubMed 26031769 (cited by Labcorp Genetics (formerly Invitae), Labcorp); PubMed 29631267 (cited by Labcorp Genetics (formerly Invitae), Labcorp).